The following is an entry in ClinVar:

NM_020223.4(FAM20C):c.1654G>A (p.Val552Ile)

Gene: FAM20C (FAM20C golgi associated secretory pathway kinase; plus strand). Cytogenetic location: 7p22.3.
Variant type: single nucleotide variant.
Coding change: c.1654G>A on transcript NM_020223.4 (MANE Select); coding-DNA position 1654, G replaced by A.
Protein change: p.Val552Ile; replaces valine 552 with isoleucine.
Molecular consequence: missense variant.
Genome position (GRCh38, 1-based): chr7:259,879, G>A. VCF-style: chr7-259879-G-A. GRCh37 (hg19) VCF-style: chr7-299845-G-A.
Other names: c.1654G>A (NM_020223.2); short protein forms V552I.
Identifiers: ClinVar variation 1404028 (VCV001404028.6), dbSNP rs753843872, ClinGen allele CA4109214.

ClinVar aggregate classification (germline): Conflicting classifications of pathogenicity. Review status: criteria provided, conflicting classifications (1 of 4 stars). 2 submissions from 2 submitters: Uncertain significance (1); Likely benign (1). Last evaluated 2022-08-31.

Conditions:
Inborn genetic diseases. Identifiers: MedGen C0950123, MeSH D030342.

Allele frequency attached by ClinVar (database versions not stated): ExAC 0.00006; TOPMed 0.00012; gnomAD 0.00014 and 0.00015.
gnomAD v4.1: 283 of 1,536,074 alleles (0.018%); highest among the groups gnomAD compares: Non-Finnish European, 0.023%; no homozygotes.

Submissions (2):

Labcorp Genetics (formerly Invitae), Labcorp
Classification: Uncertain significance. Last evaluated: 2022-08-31. Review status: criteria provided, single submitter. Criteria: Invitae Variant Classification Sherloc (09022015). Collection method: clinical testing. Allele origin: germline.
Comment: This sequence change replaces valine, which is neutral and non-polar, with isoleucine, which is neutral and non-polar, at codon 552 of the FAM20C protein (p.Val552Ile). This variant is present in population databases (rs753843872, gnomAD 0.02%). This variant has not been reported in the literature in individuals affected with FAM20C-related conditions. ClinVar contains an entry for this variant (Variation ID: 1404028). Algorithms developed to predict the effect of missense changes on protein structure and function output the following: SIFT: "Tolerated"; PolyPhen-2: "Benign"; Align-GVGD: "Class C0". The isoleucine amino acid residue is found in multiple mammalian species, which suggests that this missense change does not adversely affect protein function. In summary, the available evidence is currently insufficient to determine the role of this variant in disease. Therefore, it has been classified as a Variant of Uncertain Significance.

Ambry Genetics
Classification: Likely benign for Inborn genetic diseases. Last evaluated: 2022-06-03. Review status: criteria provided, single submitter. Criteria: Ambry Variant Classification Scheme 2023. Collection method: clinical testing. Allele origin: germline.